The following is an entry in ClinVar:

ClinVar aggregate classification (germline): Uncertain significance (1 of 4 stars; one submission).

Submission:

Labcorp Genetics (formerly Invitae), Labcorp
Classification: Uncertain significance. Last evaluated: 2024-10-29. Review status: criteria provided, single submitter. Criteria: Invitae Variant Classification Sherloc (09022015). Collection method: clinical testing. Allele origin: germline.
Comment: This sequence change replaces lysine, which is basic and polar, with arginine, which is basic and polar, at codon 209 of the SIX5 protein (p.Lys209Arg). This variant is not present in population databases (gnomAD no frequency). This variant has not been reported in the literature in individuals affected with SIX5-related conditions. ClinVar contains an entry for this variant (Variation ID: 1717258). Invitae Evidence Modeling of protein sequence and biophysical properties (such as structural, functional, and spatial information, amino acid conservation, physicochemical variation, residue mobility, and thermodynamic stability) indicates that this missense variant is expected to disrupt SIX5 protein function with a positive predictive value of 80%. In summary, the available evidence is currently insufficient to determine the role of this variant in disease. Therefore, it has been classified as a Variant of Uncertain Significance.

NM_175875.5(SIX5):c.626A>G (p.Lys209Arg)

Genes: DM1-AS (DM1 locus antisense RNA; plus strand), SIX5 (SIX homeobox 5; minus strand), LOC107075317 (origin of replication in DMPK trinucleotide repeat region; plus strand). Cytogenetic location: 19q13.32.
Variant type: single nucleotide variant.
Coding change: c.626A>G on transcript NM_175875.5 (MANE Select); coding-DNA position 626, A replaced by G.
Protein change: p.Lys209Arg; replaces lysine 209 with arginine.
Molecular consequence: missense variant.
Genome position (GRCh38, 1-based): chr19:45,768,219, T>C on the plus strand (A>G on the coding strand, the complement: SIX5 is on the minus strand). VCF-style: chr19-45768219-T-C. GRCh37 (hg19) VCF-style: chr19-46271477-T-C.
Other names: short protein forms K209R.
Identifiers: ClinVar variation 1717258 (VCV001717258.5), dbSNP rs2513604099, ClinGen allele CA406423229.